The following is an entry in ClinVar:

ClinVar aggregate classification (germline): Uncertain significance. Review status: criteria provided, multiple submitters, no conflicts (2 of 4 stars). 3 submissions from 3 submitters: Uncertain significance (3). Last evaluated 2025-03-31.

Conditions:
Inborn genetic diseases. Identifiers: MedGen C0950123, MeSH D030342.
Joubert syndrome 1 (JBTS1). Also called: Cerebellooculorenal syndrome 1; CEREBELLOPARENCHYMAL DISORDER IV. Identifiers: MedGen C4551568, MONDO:0008944, OMIM 213300.
MORM syndrome (MORMS). Identifiers: Orphanet 75858, MedGen C1857802, MONDO:0012423, OMIM 610156.
INPP5E-related disorder. Also called: INPP5E-related condition.

gnomAD v4.1: 11 of 1,611,130 alleles (0.00068%); highest among the groups gnomAD compares: Admixed American, 0.0017%; no homozygotes.

Submissions (3):

Ambry Genetics
Classification: Uncertain significance for Inborn genetic diseases. Last evaluated: 2025-03-31. Review status: criteria provided, single submitter. Criteria: Ambry Variant Classification Scheme 2023. Collection method: clinical testing. Allele origin: germline.

PreventionGenetics, part of Exact Sciences
Classification: Uncertain significance for INPP5E-related condition. Last evaluated: 2025-03-29. Review status: criteria provided, single submitter. Criteria: ACMG Guidelines, 2015. Collection method: clinical testing. Allele origin: germline.
Comment: The INPP5E c.986A>G variant is predicted to result in the amino acid substitution p.Tyr329Cys. To our knowledge, this variant has not been reported in the literature. This variant is reported in 0.00090% of alleles in individuals of European (Non-Finnish) descent in gnomAD. At this time, the clinical significance of this variant is uncertain due to the absence of conclusive functional and genetic evidence.

Fulgent Genetics
Classification: Uncertain significance for Joubert syndrome 1; MORM syndrome. Last evaluated: 2024-05-06. Review status: criteria provided, single submitter. Criteria: ACMG Guidelines, 2015. Collection method: clinical testing. Allele origin: germline.

NM_019892.6(INPP5E):c.986A>G (p.Tyr329Cys)

Gene: INPP5E (inositol polyphosphate-5-phosphatase E; minus strand). Cytogenetic location: 9q34.3.
Variant type: single nucleotide variant.
Coding change: c.986A>G on transcript NM_019892.6 (MANE Select); coding-DNA position 986, A replaced by G.
Protein change: p.Tyr329Cys; replaces tyrosine 329 with cysteine.
Molecular consequence: missense variant.
Genome position (GRCh38, 1-based): chr9:136,434,085, T>C on the plus strand (A>G on the coding strand, the complement: INPP5E is on the minus strand). VCF-style: chr9-136434085-T-C. GRCh37 (hg19) VCF-style: chr9-139328537-T-C.
Other names: c.986A>G, p.Tyr329Cys (NM_001318502.2); c.986A>G (NM_019892.4, NM_019892.5); short protein forms Y329C.
Identifiers: ClinVar variation 3596781 (VCV003596781.3).